The following is an entry in ClinVar:

ClinVar aggregate classification (germline): Uncertain significance (1 of 4 stars; one submission).

Conditions:
Dyskeratosis congenita, autosomal dominant 6 (DKCA6). Identifiers: Orphanet 3322, MedGen C4225284, MONDO:0014690, OMIM 616553.

Submission:

Labcorp Genetics (formerly Invitae), Labcorp
Classification: Uncertain significance for Dyskeratosis congenita, autosomal dominant 6. Last evaluated: 2023-06-05. Review status: criteria provided, single submitter. Criteria: Invitae Variant Classification Sherloc (09022015). Collection method: clinical testing. Allele origin: germline.
Comment: In summary, the available evidence is currently insufficient to determine the role of this variant in disease. Therefore, it has been classified as a Variant of Uncertain Significance. Advanced modeling of protein sequence and biophysical properties (such as structural, functional, and spatial information, amino acid conservation, physicochemical variation, residue mobility, and thermodynamic stability) performed at Invitae indicates that this missense variant is expected to disrupt ACD protein function. This variant has not been reported in the literature in individuals affected with ACD-related conditions. This variant is not present in population databases (gnomAD no frequency). This sequence change replaces valine, which is neutral and non-polar, with phenylalanine, which is neutral and non-polar, at codon 189 of the ACD protein (p.Val189Phe).

NM_001082486.2(ACD):c.307G>T (p.Val103Phe)

Gene: ACD (ACD shelterin complex subunit and telomerase recruitment factor; minus strand). Cytogenetic location: 16q22.1.
Variant type: single nucleotide variant.
Coding change: c.307G>T on transcript NM_001082486.2 (MANE Select); coding-DNA position 307, G replaced by T.
Protein change: p.Val103Phe; replaces valine 103 with phenylalanine.
Molecular consequence: missense variant.
Genome position (GRCh38, 1-based): chr16:67,659,731, C>A on the plus strand (G>T on the coding strand, the complement: ACD is on the minus strand). VCF-style: chr16-67659731-C-A. GRCh37 (hg19) VCF-style: chr16-67693634-C-A.
Other names: c.298G>T, p.Val100Phe (NM_022914.3); c.307G>T, p.Val103Phe (NM_001410884.1); short protein forms V103F, V100F.
Identifiers: ClinVar variation 2772492 (VCV002772492.3), dbSNP rs2543608997, ClinGen allele CA396355875.